The following is an entry in ClinVar:

NM_018896.5(CACNA1G):c.3648C>A (p.Asp1216Glu)

Gene: CACNA1G (calcium voltage-gated channel subunit alpha1 G; plus strand). Cytogenetic location: 17q21.33.
Variant type: single nucleotide variant.
Coding change: c.3648C>A on transcript NM_018896.5 (MANE Select); coding-DNA position 3648, C replaced by A.
Protein change: p.Asp1216Glu; replaces aspartic acid 1216 with glutamic acid.
Molecular consequence: missense variant. On other transcripts: non-coding transcript variant (5).
Genome position (GRCh38, 1-based): chr17:50,599,817, C>A. VCF-style: chr17-50599817-C-A. GRCh37 (hg19) VCF-style: chr17-48677178-C-A.
Other names: c.3648C>A (NM_018896.4); c.3648C>A, p.Asp1216Glu (NM_001256324.2, NM_001256325.2, NM_001256326.2 and 16 more transcripts); c.3579C>A, p.Asp1193Glu (NM_001256332.2, NM_198376.3, NM_198379.3 and 5 more transcripts); short protein forms D1193E, D1216E.
Identifiers: ClinVar variation 3262752 (VCV003262752.3).

ClinVar aggregate classification (germline): Uncertain significance. Review status: criteria provided, multiple submitters, no conflicts (2 of 4 stars). 3 submissions from 3 submitters: Uncertain significance (3). Last evaluated 2026-02-25.

Conditions:
Inborn genetic diseases. Identifiers: MedGen C0950123, MeSH D030342.

gnomAD v4.1: 2 of 1,611,380 alleles (0.00012%); highest among the groups gnomAD compares: East Asian, 0.0022%; no homozygotes.

Submissions (3):

Women's Health and Genetics/Laboratory Corporation of America, LabCorp
Classification: Uncertain significance. Last evaluated: 2026-02-25. Review status: criteria provided, single submitter. Criteria: LabCorp Variant Classification Summary - May 2015. Collection method: clinical testing. Allele origin: germline.
Comment: Variant summary: CACNA1G c.3648C>A (p.Asp1216Glu) results in a conservative amino acid change in the encoded protein sequence. Algorithms developed to predict the effect of missense changes on protein structure and function are either unavailable or do not agree on the potential impact of this missense change. The variant was absent in 243978 control chromosomes. The available data on variant occurrences in the general population are insufficient to allow any conclusion about variant significance. To our knowledge, no occurrence of c.3648C>A in individuals affected with CACNA1G-related conditions and no experimental evidence demonstrating its impact on protein function have been reported. ClinVar contains an entry for this variant (Variation ID: 3262752). Based on the evidence outlined above, the variant was classified as uncertain significance.

GeneDx
Classification: Uncertain significance. Last evaluated: 2024-09-23. Review status: criteria provided, single submitter. Criteria: GeneDx Variant Classification Process June 2021. Collection method: clinical testing. Allele origin: germline. Affected: yes.
Comment: Not observed at significant frequency in large population cohorts (gnomAD); In silico analysis indicates that this missense variant does not alter protein structure/function; Has not been previously published as pathogenic or benign to our knowledge

Ambry Genetics
Classification: Uncertain significance for Inborn genetic diseases. Last evaluated: 2024-04-29. Review status: criteria provided, single submitter. Criteria: Ambry Variant Classification Scheme 2023. Collection method: clinical testing. Allele origin: germline.